The following is an entry in ClinVar:

ClinVar aggregate classification (germline): Uncertain significance (1 of 4 stars; one submission).

Conditions:
Myopathy, tubular aggregate, 2 (TAM2). Identifiers: MedGen C4014557, MONDO:0014383, OMIM 615883.
Combined immunodeficiency due to ORAI1 deficiency. Also called: IMMUNODEFICIENCY 9. Identifiers: Orphanet 169090, Orphanet 317428, MedGen C2748568, MONDO:0013007, OMIM 612782.

Allele frequency attached by ClinVar (database versions not stated): gnomAD exomes below 0.00001.

Submission:

Labcorp Genetics (formerly Invitae), Labcorp
Classification: Uncertain significance for Myopathy, tubular aggregate, 2; Combined immunodeficiency due to ORAI1 deficiency. Last evaluated: 2022-09-28. Review status: criteria provided, single submitter. Criteria: Invitae Variant Classification Sherloc (09022015). Collection method: clinical testing. Allele origin: germline.
Comment: This variant is not present in population databases (gnomAD no frequency). This sequence change creates a premature translational stop signal (p.Gln283*) in the ORAI1 gene. While this is not anticipated to result in nonsense mediated decay, it is expected to disrupt the last 19 amino acid(s) of the ORAI1 protein. This variant has not been reported in the literature in individuals affected with ORAI1-related conditions. Experimental studies and prediction algorithms are not available or were not evaluated, and the functional significance of this variant is currently unknown. In summary, the available evidence is currently insufficient to determine the role of this variant in disease. Therefore, it has been classified as a Variant of Uncertain Significance.

NC_000012.12:g.121641584C>T

Gene: ORAI1 (ORAI calcium release-activated calcium modulator 1; plus strand). Cytogenetic location: 12q24.31.
Variant type: single nucleotide variant.
Genome position: GRCh38 VCF-style: chr12-121641584-C-T. GRCh37 (hg19) VCF-style: chr12-122079490-C-T.
Other names: c.847C>T, p.Gln283Ter (NM_032790.4); short protein forms Q283*.
Identifiers: ClinVar variation 2033211 (VCV002033211.4), dbSNP rs2503544782, ClinGen allele CA386984731.